The following is an entry in ClinVar:

ClinVar aggregate classification (germline): Uncertain significance (1 of 4 stars; one submission).

Submission:

Dasa
Classification: Uncertain significance. Last evaluated: 2025-01-29. Review status: criteria provided, single submitter. Criteria: DASA Assertion Criteria. Collection method: clinical testing. Allele origin: germline.
Comment: NM_001128840.3(CACNA1D):c.3006+5del is a splice-region variant. This variant is rare in population databases. Computational prediction algorithms are consistent with a benign effect. The currently available literature and clinical evidence are not sufficient to establish a definitive association between this variant and the reported condition. Therefore, this variant is classified as a variant of uncertain significance.

NM_001128840.3(CACNA1D):c.3006+5del

Gene: CACNA1D (calcium voltage-gated channel subunit alpha1 D; plus strand). Cytogenetic location: 3p21.1.
Variant type: Deletion.
Coding change: c.3006+5del on transcript NM_001128840.3 (MANE Select); 5 bases into the intron after coding-DNA position 3006, one base deleted (T; older notation c.3006+5delT).
Molecular consequence: splice donor variant.
Genome position (GRCh38, 1-based): chr3:53,744,832, T deleted; the last of 4 consecutive T bases (chr3:53,744,829-53,744,832); deleting any one gives the same sequence. VCF-style (leftmost placement, unchanged base first): chr3-53744828-GT-G. GRCh37 (hg19) VCF-style: chr3-53778855-GT-G.
Other names: c.3006+5del (NM_001128839.3); c.3066+5del (NM_000720.4).
Identifiers: ClinVar variation 4883889 (VCV004883889.2).